The following is an entry in ClinVar:

ClinVar aggregate classification (germline): Uncertain significance (1 of 4 stars; one submission).

Submission:

Laboratory for Molecular Medicine, Mass General Brigham Personalized Medicine
Classification: Uncertain significance. Last evaluated: 2012-04-05. Review status: criteria provided, single submitter. Criteria: LMM Criteria. Collection method: clinical testing. Allele origin: germline. Observed: 2 variant alleles.
Comment: Variant classified as Uncertain Significance - Favor Benign. Isoleucine (Ile) at position 1430 is not c onserved in mammals, and computational analyses (AlignGVGD, PolyPhen2, and SIFT) suggest that this variant may not impact the protein, though this information i s not predictive enough to rule out pathogenicity. Although this data supports t hat the Ile1430Phe variant may be benign, additional studies are needed to fully assess its clinical significance.

NM_004415.4(DSP):c.4288A>T (p.Ile1430Phe)

Gene: DSP (desmoplakin; plus strand). Cytogenetic location: 6p24.3.
Variant type: single nucleotide variant.
Coding change: c.4288A>T on transcript NM_004415.4 (MANE Select); coding-DNA position 4288, A replaced by T.
Protein change: p.Ile1430Phe; replaces isoleucine 1430 with phenylalanine.
Molecular consequence: missense variant. On other transcripts: intron variant (2).
Genome position (GRCh38, 1-based): chr6:7,580,478, A>T. VCF-style: chr6-7580478-A-T. GRCh37 (hg19) VCF-style: chr6-7580711-A-T.
Other names: c.4050+238A>T (NM_001319034.2); c.3582+706A>T (NM_001008844.3); short protein forms I1430F.
Identifiers: ClinVar variation 44904 (VCV000044904.4), dbSNP rs397516937, ClinGen allele CA004437.